The following is an entry in ClinVar:

ClinVar aggregate classification (germline): Likely benign (1 of 4 stars; one submission).

gnomAD v4.1: 195 of 1,613,496 alleles (0.012%); highest among the groups gnomAD compares: Non-Finnish European, 0.016%; no homozygotes.

Submission:

CeGaT Center for Human Genetics Tuebingen
Classification: Likely benign. Last evaluated: 2026-02-01. Review status: criteria provided, single submitter. Criteria: CeGaT Center For Human Genetics Tuebingen Variant Classification Criteria Version 2. Collection method: clinical testing. Allele origin: germline. Affected: yes. Observed: 1 variant allele.
Comment: VPS13C: BP4, BP7

NM_020821.3(VPS13C):c.8367T>A (p.Ile2789=)

Gene: VPS13C (vacuolar protein sorting 13 homolog C; minus strand). Cytogenetic location: 15q22.2.
Variant type: single nucleotide variant.
Coding change: c.8367T>A on transcript NM_020821.3 (MANE Select); coding-DNA position 8367, T replaced by A.
Protein change: p.Ile2789=; no amino-acid change (isoleucine 2789 retained).
Molecular consequence: synonymous variant.
Genome position (GRCh38, 1-based): chr15:61,915,711, A>T on the plus strand (T>A on the coding strand, the complement: VPS13C is on the minus strand). VCF-style: chr15-61915711-A-T. GRCh37 (hg19) VCF-style: chr15-62207910-A-T.
Other names: c.8367T>A, p.Ile2789= (NM_001018088.3); c.8238T>A, p.Ile2746= (NM_017684.5, NM_018080.4).
Identifiers: ClinVar variation 4822181 (VCV004822181.4).
Genomic context (GRCh38, chr15:61,915,711, plus strand): 5'-GTTCTTCTTCTTGAAAGAAAATAAAATAATATCCCTGAAATCAGCTGGATGTTTCACATG[A>T]ATATCTTCTGAACGATACTGGAGAACCCGGGTAGTCTTGTTGATTAACCAATAGGGACTA-3'
Protein context (NP_065872.1, residues 2779-2799): TRVLQYRSED[Ile2789=]HVKHPADFRD